The following is an entry in ClinVar:

ClinVar aggregate classification (germline): Uncertain significance. Review status: criteria provided, multiple submitters, no conflicts (2 of 4 stars). 2 submissions from 2 submitters: Uncertain significance (2). Last evaluated 2025-10-14.

Conditions:
Cardiovascular phenotype. Identifiers: MedGen CN230736.
Atrioventricular septal defect 4 (AVSD4). Identifiers: MedGen C3280781, MONDO:0013747, OMIM 614430.

Submissions (2):

Labcorp Genetics (formerly Invitae), Labcorp
Classification: Uncertain significance for Atrioventricular septal defect 4. Last evaluated: 2025-10-14. Review status: criteria provided, single submitter. Criteria: Invitae Variant Classification Sherloc (09022015). Collection method: clinical testing. Allele origin: germline.
Comment: This sequence change replaces alanine, which is neutral and non-polar, with glycine, which is neutral and non-polar, at codon 138 of the GATA4 protein (p.Ala138Gly). This variant is not present in population databases (gnomAD no frequency). This variant has not been reported in the literature in individuals affected with GATA4-related conditions. ClinVar contains an entry for this variant (Variation ID: 3718774). Invitae Evidence Modeling of protein sequence and biophysical properties (such as structural, functional, and spatial information, amino acid conservation, physicochemical variation, residue mobility, and thermodynamic stability) indicates that this missense variant is not expected to disrupt GATA4 protein function with a negative predictive value of 95%. In summary, the available evidence is currently insufficient to determine the role of this variant in disease. Therefore, it has been classified as a Variant of Uncertain Significance.

Ambry Genetics
Classification: Uncertain significance for Cardiovascular phenotype. Last evaluated: 2025-02-04. Review status: criteria provided, single submitter. Criteria: Ambry Variant Classification Scheme 2023. Collection method: clinical testing. Allele origin: germline.
Comment: The p.A138G variant (also known as c.413C>G), located in coding exon 1 of the GATA4 gene, results from a C to G substitution at nucleotide position 413. The alanine at codon 138 is replaced by glycine, an amino acid with similar properties. This amino acid position is conserved. In addition, the in silico prediction for this alteration is inconclusive. Based on the available evidence, the clinical significance of this variant remains unclear.

NM_001308093.3(GATA4):c.413C>G (p.Ala138Gly)

Gene: GATA4 (GATA binding protein 4). Cytogenetic location: 8p23.1.
Variant type: single nucleotide variant.
Coding change: c.413C>G on transcript NM_001308093.3 (MANE Select); coding-DNA position 413, C replaced by G.
Protein change: p.Ala138Gly; replaces alanine 138 with glycine.
Molecular consequence: missense variant. On other transcripts: intron variant (3).
Genome position (GRCh38, 1-based): chr8:11,708,725, C>G. VCF-style: chr8-11708725-C-G. GRCh37 (hg19) VCF-style: chr8-11566234-C-G.
Other names: c.413C>G (NM_002052.3); c.413C>G, p.Ala138Gly (NM_002052.5); c.-6+7947C>G (NM_001308094.2); c.-3+711C>G (NM_001374274.1); c.-3+4421C>G (NM_001374273.1); short protein forms A138G.
Identifiers: ClinVar variation 3718774 (VCV003718774.3).